The following is an entry in ClinVar:

ClinVar aggregate classification (germline): Uncertain significance (1 of 4 stars; one submission).

Conditions:
Immunodeficiency 35 (IMD35). Also called: TYK2 DEFICIENCY; HIES WITH ATYPICAL MYCOBACTERIOSIS, AUTOSOMAL RECESSIVE; HYPER-IgE SYNDROME WITH ATYPICAL MYCOBACTERIOSIS, AUTOSOMAL RECESSIVE; Susceptibility to infection due to TYK2 deficiency. Identifiers: Orphanet 331226, MedGen C1969086, MONDO:0012682, OMIM 611521.

Allele frequency attached by ClinVar (database versions not stated): gnomAD exomes below 0.00001; ExAC 0.00002; gnomAD 0.00002; TOPMed 0.00002.
gnomAD v4.1: 5 of 1,613,864 alleles (0.00031%); highest among the groups gnomAD compares: African/African-American, 0.004%; no homozygotes.

Submission:

Labcorp Genetics (formerly Invitae), Labcorp
Classification: Uncertain significance for Immunodeficiency 35. Last evaluated: 2023-12-11. Review status: criteria provided, single submitter. Criteria: Invitae Variant Classification Sherloc (09022015). Collection method: clinical testing. Allele origin: germline.
Comment: This sequence change affects codon 627 of the TYK2 mRNA. It is a 'silent' change, meaning that it does not change the encoded amino acid sequence of the TYK2 protein. The frequency data for this variant in the population databases is considered unreliable, as metrics indicate poor data quality at this position in the gnomAD database. This variant has not been reported in the literature in individuals affected with TYK2-related conditions. ClinVar contains an entry for this variant (Variation ID: 2142860). Algorithms developed to predict the effect of sequence changes on RNA splicing suggest that this variant may create or strengthen a splice site. In summary, the available evidence is currently insufficient to determine the role of this variant in disease. Therefore, it has been classified as a Variant of Uncertain Significance.

NM_003331.5(TYK2):c.1881C>T (p.Leu627=)

Gene: TYK2 (tyrosine kinase 2; minus strand). Cytogenetic location: 19p13.2.
Variant type: single nucleotide variant.
Coding change: c.1881C>T on transcript NM_003331.5 (MANE Select); coding-DNA position 1881, C replaced by T.
Protein change: p.Leu627=; no amino-acid change (leucine 627 retained).
Molecular consequence: synonymous variant. On other transcripts: intron variant (2).
Genome position (GRCh38, 1-based): chr19:10,361,848, G>A on the plus strand (C>T on the coding strand, the complement: TYK2 is on the minus strand). VCF-style: chr19-10361848-G-A. GRCh37 (hg19) VCF-style: chr19-10472524-G-A.
Other names: c.1881C>T, p.Leu627= (NM_001385197.1, NM_001385198.1, NM_001385200.1 and 3 more transcripts); c.1683C>T, p.Leu561= (NM_001385201.1); c.1791C>T, p.Leu597= (NM_001385205.1); c.1755C>T, p.Leu585= (NM_001385206.1); c.1863C>T, p.Leu621= (NM_001385207.1); c.1773+230C>T (NM_001385199.1); c.1809-12C>T (NM_001385202.1).
Identifiers: ClinVar variation 2142860 (VCV002142860.2), dbSNP rs759253619, ClinGen allele CA9193264.